The following is an entry in ClinVar:

NM_001282225.2(ADA2):c.542+3G>A

Gene: ADA2 (adenosine deaminase 2; minus strand). Cytogenetic location: 22q11.1.
Variant type: single nucleotide variant.
Coding change: c.542+3G>A on transcript NM_001282225.2 (MANE Select); 3 bases into the intron after coding-DNA position 542, G replaced by A.
Molecular consequence: intron variant.
Genome position (GRCh38, 1-based): chr22:17,207,068, C>T on the plus strand (G>A on the coding strand, the complement: ADA2 is on the minus strand). VCF-style: chr22-17207068-C-T. GRCh37 (hg19) VCF-style: chr22-17687958-C-T.
Other names: c.416+3G>A (NM_001282227.2, NM_001282228.2); c.182+3G>A (NM_001282229.2); c.542+3G>A (NM_001282226.2).
Identifiers: ClinVar variation 1523589 (VCV001523589.6), dbSNP rs2123708613, ClinGen allele CA2573157687.

ClinVar aggregate classification (germline): Uncertain significance (1 of 4 stars; one submission).

Conditions:
Deficiency of adenosine deaminase 2. Also called: Polyarteritis nodosa, childhoood-onset; Adenosine Deaminase 2 Deficiency; VASCULITIS, AUTOINFLAMMATION, IMMUNODEFICIENCY, AND HEMATOLOGIC DEFECTS SYNDROME. Identifiers: Orphanet 404553, MedGen C3887654, MONDO:0014306, OMIM 615688, MONDO:0100317.

Allele frequency attached by ClinVar (database versions not stated): gnomAD exomes below 0.00001.
gnomAD v4.1: 1 of 1,612,166 alleles (0.000062%); highest among the groups gnomAD compares: Non-Finnish European, 0.000085%; no homozygotes.

Submission:

Labcorp Genetics (formerly Invitae), Labcorp
Classification: Uncertain significance for Deficiency of adenosine deaminase 2. Last evaluated: 2021-10-08. Review status: criteria provided, single submitter. Criteria: Invitae Variant Classification Sherloc (09022015). Collection method: clinical testing. Allele origin: germline.
Comment: In summary, the available evidence is currently insufficient to determine the role of this variant in disease. Therefore, it has been classified as a Variant of Uncertain Significance. Variants that disrupt the consensus splice site are a relatively common cause of aberrant splicing (PMID: 17576681, 9536098). Algorithms developed to predict the effect of sequence changes on RNA splicing suggest that this variant is not likely to affect RNA splicing. This variant has not been reported in the literature in individuals affected with ADA2-related conditions. This variant is not present in population databases (ExAC no frequency). This sequence change falls in intron 3 of the ADA2 gene. It does not directly change the encoded amino acid sequence of the ADA2 protein. It affects a nucleotide within the consensus splice site.

Literature cited by the submitters: PubMed 17576681; PubMed 9536098.